The following is an entry in ClinVar:

ClinVar aggregate classification (germline): Uncertain significance. Review status: criteria provided, multiple submitters, no conflicts (2 of 4 stars). 2 submissions from 2 submitters: Uncertain significance (2). Last evaluated 2024-08-31.

Conditions:
Partial hypoxanthine-guanine phosphoribosyltransferase deficiency. Also called: GOUT, HPRT-RELATED; Kelley-Seegmiller Syndrome; HPRT DEFICIENCY, PARTIAL; HYPOXANTHINE GUANINE PHOSPHORIBOSYLTRANSFERASE 1 DEFICIENCY, PARTIAL; HPRT1 DEFICIENCY, PARTIAL. Identifiers: Orphanet 79233, MedGen C0268117, MONDO:0010299, OMIM 300323.
Lesch-Nyhan syndrome (LNS). Also called: Lesch-Nyhan Disease (LND); HPRT DEFICIENCY, COMPLETE. Identifiers: Orphanet 510, MedGen C0023374, MONDO:0010298, OMIM 300322.

Allele frequency attached by ClinVar (database versions not stated): TOPMed 0.00001.

Submissions (2):

Labcorp Genetics (formerly Invitae), Labcorp
Classification: Uncertain significance for Lesch-Nyhan syndrome; Partial hypoxanthine-guanine phosphoribosyltransferase deficiency. Last evaluated: 2024-08-31. Review status: criteria provided, single submitter. Criteria: Invitae Variant Classification Sherloc (09022015). Collection method: clinical testing. Allele origin: germline.
Comment: This sequence change replaces threonine, which is neutral and polar, with alanine, which is neutral and non-polar, at codon 124 of the HPRT1 protein (p.Thr124Ala). This variant is not present in population databases (gnomAD no frequency). This variant has not been reported in the literature in individuals affected with HPRT1-related conditions. ClinVar contains an entry for this variant (Variation ID: 2067443). An algorithm developed to predict the effect of missense changes on protein structure and function outputs the following: PolyPhen-2: "Benign". The alanine amino acid residue is found in multiple mammalian species, which suggests that this missense change does not adversely affect protein function. In summary, the available evidence is currently insufficient to determine the role of this variant in disease. Therefore, it has been classified as a Variant of Uncertain Significance.

Blueprint Genetics
Classification: Uncertain significance. Last evaluated: 2023-09-08. Review status: criteria provided, single submitter. Criteria: ACMG Guidelines, 2015. Collection method: clinical testing. Allele origin: germline.

NM_000194.3(HPRT1):c.370A>G (p.Thr124Ala)

Gene: HPRT1 (hypoxanthine phosphoribosyltransferase 1; plus strand). Cytogenetic location: Xq26.2.
Variant type: single nucleotide variant.
Coding change: c.370A>G on transcript NM_000194.3 (MANE Select); coding-DNA position 370, A replaced by G.
Protein change: p.Thr124Ala; replaces threonine 124 with alanine.
Molecular consequence: missense variant.
Genome position (GRCh38, 1-based): chrX:134,486,516, A>G. VCF-style: chrX-134486516-A-G. GRCh37 (hg19) VCF-style: chrX-133620546-A-G.
Other names: short protein forms T124A.
Identifiers: ClinVar variation 2067443 (VCV002067443.5), dbSNP rs1292536313, ClinGen allele CA414713715.